The following is an entry in ClinVar:

ClinVar aggregate classification (germline): Conflicting classifications of pathogenicity. Review status: criteria provided, conflicting classifications (1 of 4 stars). 10 submissions from 6 submitters: Uncertain significance (4); Benign (4); Likely benign (2). Last evaluated 2026-02-06.

Conditions:
Potassium-aggravated myotonia. Also called: MYOTONIA CONGENITA, ACETAZOLAMIDE-RESPONSIVE; MYOTONIA CONGENITA, ATYPICAL; SODIUM CHANNEL MUSCLE DISEASE; Myotonia congenita, atypical, acetazolamide-responsive. Identifiers: Orphanet 612, Orphanet 99734, Orphanet 99735, Orphanet 99736, MedGen C2931826, MONDO:0018959, OMIM 608390.
Hypokalemic periodic paralysis, type 2 (HOKPP2). Identifiers: Orphanet 681, MedGen C2750061, MONDO:0013234, OMIM 613345.
Paramyotonia congenita of Von Eulenburg. Also called: PARALYSIS PERIODICA PARAMYOTONICA; Paramyotonia Congenita; Eulenburg disease; Myotonia congenita intermittens; Von Eulenburg paramyotonia congenita. Identifiers: Orphanet 684, MedGen C0221055, MONDO:0008195, OMIM 168300. Disease mechanism: loss of function.
Hyperkalemic periodic paralysis. Also called: Familial hyperkalemic periodic paralysis; Gamstorp disease. Identifiers: Orphanet 682, MedGen C0238357, MONDO:0008224, OMIM 170500, HP:0007215.
Congenital myasthenic syndrome 16. Identifiers: Orphanet 590, MedGen C3280112, MONDO:0013620, OMIM 614198.
Congenital myopathy 22A, classic (CMYO22A). Identifiers: MedGen C5830453, MONDO:0957247, OMIM 620351.
Congenital myopathy 22B, severe fetal (CMYO22B). Identifiers: MedGen C5830501, MONDO:0957265, OMIM 620369.

Allele frequency attached by ClinVar (database versions not stated): gnomAD exomes 0.00017 and 0.00004; ExAC 0.00022; ESP Exome Variant Server 0.00015; gnomAD 0.00026 and 0.00024; TOPMed 0.00025.

Submissions (10):

GeneDx
Classification: Uncertain significance. Last evaluated: 2026-02-06. Review status: criteria provided, single submitter. Criteria: GeneDx Variant Classification Process June 2021. Collection method: clinical testing. Allele origin: germline.
Comment: In silico analysis supports that this missense variant has a deleterious effect on protein structure/function; Has not been previously published as pathogenic or benign to our knowledge

Labcorp Genetics (formerly Invitae), Labcorp
Classification: Uncertain significance for Hyperkalemic periodic paralysis. Last evaluated: 2025-09-23. Review status: criteria provided, single submitter. Criteria: Invitae Variant Classification Sherloc (09022015). Collection method: clinical testing. Allele origin: germline.
Comment: This sequence change replaces valine, which is neutral and non-polar, with methionine, which is neutral and non-polar, at codon 1350 of the SCN4A protein (p.Val1350Met). This variant is present in population databases (rs200274258, gnomAD 0.09%), including at least one homozygous and/or hemizygous individual. This variant has not been reported in the literature in individuals affected with SCN4A-related conditions. ClinVar contains an entry for this variant (Variation ID: 652081). Invitae Evidence Modeling of protein sequence and biophysical properties (such as structural, functional, and spatial information, amino acid conservation, physicochemical variation, residue mobility, and thermodynamic stability) indicates that this missense variant is expected to disrupt SCN4A protein function with a positive predictive value of 80%. In summary, the available evidence is currently insufficient to determine the role of this variant in disease. Therefore, it has been classified as a Variant of Uncertain Significance.

Revvity Omics, Revvity
Classification: Uncertain significance. Last evaluated: 2025-07-03. Review status: criteria provided, single submitter. Criteria: ACMG Guidelines, 2015. Collection method: clinical testing. Allele origin: germline.

Fulgent Genetics
Classification: Likely benign for Paramyotonia congenita of Von Eulenburg; Hyperkalemic periodic paralysis; Potassium-aggravated myotonia; Hypokalemic periodic paralysis, type 2; Congenital myasthenic syndrome 16; Congenital myopathy 22A, classic; Congenital myopathy 22B, severe fetal. Last evaluated: 2024-03-22. Review status: criteria provided, single submitter. Criteria: ACMG Guidelines, 2015. Collection method: clinical testing. Allele origin: germline.

Athena Diagnostics
Classification: Likely benign. Last evaluated: 2020-06-26. Review status: criteria provided, single submitter. Criteria: Athena Diagnostics Criteria. Collection method: clinical testing. Allele origin: unknown.

Illumina Laboratory Services, Illumina
Classification: Benign for Potassium-aggravated myotonia. Last evaluated: 2018-01-12. Review status: criteria provided, single submitter. Criteria: ICSL Variant Classification Criteria 13 December 2019. Collection method: clinical testing. Allele origin: germline.
Comment: This variant was observed in the ICSL laboratory as part of a predisposition screen in an ostensibly healthy population. It had not been previously curated by ICSL or reported in the Human Gene Mutation Database (HGMD: prior to June 1st, 2018), and was therefore a candidate for classification through an automated scoring system. Utilizing variant allele frequency, disease prevalence and penetrance estimates, and inheritance mode, an automated score was calculated to assess if this variant is too frequent to cause the disease. Based on the score and internal cut-off values, a variant classified as benign is not then subjected to further curation. The score for this variant resulted in a classification of benign for this disease.

Illumina Laboratory Services, Illumina
Classification: Benign for Hyperkalemic periodic paralysis. Last evaluated: 2018-01-12. Review status: criteria provided, single submitter. Criteria: ICSL Variant Classification Criteria 13 December 2019. Collection method: clinical testing. Allele origin: germline.
Comment: the same text as in the submission from Illumina Laboratory Services, Illumina above.

Illumina Laboratory Services, Illumina
Classification: Uncertain significance for Congenital myasthenic syndrome 16. Last evaluated: 2018-01-12. Review status: criteria provided, single submitter. Criteria: ICSL Variant Classification Criteria 13 December 2019. Collection method: clinical testing. Allele origin: germline.

Illumina Laboratory Services, Illumina
Classification: Benign for Paramyotonia congenita of Von Eulenburg. Last evaluated: 2018-01-12. Review status: criteria provided, single submitter. Criteria: ICSL Variant Classification Criteria 13 December 2019. Collection method: clinical testing. Allele origin: germline.
Comment: the same text as in the submission from Illumina Laboratory Services, Illumina above.

Illumina Laboratory Services, Illumina
Classification: Benign for Hypokalemic periodic paralysis, type 2. Last evaluated: 2018-01-12. Review status: criteria provided, single submitter. Criteria: ICSL Variant Classification Criteria 13 December 2019. Collection method: clinical testing. Allele origin: germline.
Comment: the same text as in the submission from Illumina Laboratory Services, Illumina above.

NM_000334.4(SCN4A):c.4048G>A (p.Val1350Met)

Genes: GH-LCR (growth hormone locus control region; plus strand), SCN4A (sodium voltage-gated channel alpha subunit 4; minus strand). Cytogenetic location: 17q23.3.
Variant type: single nucleotide variant.
Coding change: c.4048G>A on transcript NM_000334.4 (MANE Select); coding-DNA position 4048, G replaced by A.
Protein change: p.Val1350Met; replaces valine 1350 with methionine.
Molecular consequence: missense variant.
Genome position (GRCh38, 1-based): chr17:63,943,066, C>T on the plus strand (G>A on the coding strand, the complement: SCN4A is on the minus strand). VCF-style: chr17-63943066-C-T. GRCh37 (hg19) VCF-style: chr17-62020426-C-T.
Other names: short protein forms V1350M.
Identifiers: ClinVar variation 652081 (VCV000652081.21), dbSNP rs200274258, ClinGen allele CA8709063.